The following is an entry in ClinVar:

ClinVar aggregate classification (germline): Pathogenic (1 of 4 stars; one submission).

Conditions:
Autoimmune lymphoproliferative syndrome type 1. Also called: AUTOIMMUNE LYMPHOPROLIFERATIVE SYNDROME, TYPE I, AUTOSOMAL DOMINANT. Identifiers: Orphanet 3261, MedGen C2717884, MONDO:0011158, OMIM 601859.

gnomAD v4.1: 2 of 1,613,482 alleles (0.00012%); highest among the groups gnomAD compares: East Asian, 0.0022%; no homozygotes.

Submission:

Labcorp Genetics (formerly Invitae), Labcorp
Classification: Pathogenic for Autoimmune lymphoproliferative syndrome. Last evaluated: 2021-06-18. Review status: criteria provided, single submitter. Criteria: Invitae Variant Classification Sherloc (09022015). Collection method: clinical testing. Allele origin: germline.
Comment: For these reasons, this variant has been classified as Pathogenic. This sequence change creates a premature translational stop signal (p.Arg115*) in the FASLG gene. It is expected to result in an absent or disrupted protein product. Loss-of-function variants in FASLG are known to be pathogenic (PMID: 22857792, 25451160). This variant is present in population databases (rs773045347, ExAC 0.01%). This variant has not been reported in the literature in individuals with FASLG-related conditions.

Literature cited by the submitters: PubMed 22857792; PubMed 25451160.

NM_000639.3(FASLG):c.343C>T (p.Arg115Ter)

Gene: FASLG (Fas ligand; plus strand). Cytogenetic location: 1q24.3.
Variant type: single nucleotide variant.
Coding change: c.343C>T on transcript NM_000639.3 (MANE Select); coding-DNA position 343, C replaced by T.
Protein change: p.Arg115Ter; replaces arginine 115 with a stop codon.
Molecular consequence: nonsense.
Genome position (GRCh38, 1-based): chr1:172,659,544, C>T. VCF-style: chr1-172659544-C-T. GRCh37 (hg19) VCF-style: chr1-172628684-C-T.
Other names: c.343C>T, p.Arg115Ter (NM_001302746.2); short protein forms R115*.
Identifiers: ClinVar variation 1428184 (VCV001428184.6), dbSNP rs773045347, ClinGen allele CA1247505.